The following is an entry in ClinVar:

ClinVar aggregate classification (germline): Uncertain significance (1 of 4 stars; one submission).

Submission:

CeGaT Center for Human Genetics Tuebingen
Classification: Uncertain significance. Last evaluated: 2023-01-01. Review status: criteria provided, single submitter. Criteria: CeGaT Center For Human Genetics Tuebingen Variant Classification Criteria Version 2. Collection method: clinical testing. Allele origin: germline. Affected: yes. Observed: 1 variant allele.
Comment: SCNN1G: PM2, BP4

NM_001039.4(SCNN1G):c.1322C>A (p.Ala441Asp)

Gene: SCNN1G (sodium channel epithelial 1 subunit gamma; plus strand). Cytogenetic location: 16p12.2.
Variant type: single nucleotide variant.
Coding change: c.1322C>A on transcript NM_001039.4 (MANE Select); coding-DNA position 1322, C replaced by A.
Protein change: p.Ala441Asp; replaces alanine 441 with aspartic acid.
Molecular consequence: missense variant.
Genome position (GRCh38, 1-based): chr16:23,212,705, C>A. VCF-style: chr16-23212705-C-A. GRCh37 (hg19) VCF-style: chr16-23224026-C-A.
Other names: short protein forms A441D.
Identifiers: ClinVar variation 2646318 (VCV002646318.24), dbSNP rs2506185677, ClinGen allele CA395101997.
Genomic context (GRCh38, chr16:23,212,705, plus strand): 5'-AAAGCTCATGCTGCCCTCTCCCTTGTCCCTCAGTGTATTGTTACTACCAACTGCATCGAG[C>A]CTTTGTCCAGGAAGAGCTGGGCTGCCAGTCTGTGTGCAAGGAAGCCTGCAGGTATGTGGA-3'
Protein context (NP_001030.2, residues 431-451): WMYCYYQLHR[Ala441Asp]FVQEELGCQS